The following is an entry in ClinVar:

ClinVar aggregate classification (germline): Pathogenic (1 of 4 stars; one submission).

Conditions:
Ataxia-telangiectasia syndrome (AT). Also called: Ataxia-telangiectasia, complementation group E; LOUIS-BAR SYNDROME; Ataxia-telangiectasia, complementation group D; AT, COMPLEMENTATION GROUP C; Ataxia-telangiectasia; Cerebello-oculocutaneous telangiectasia. Identifiers: Orphanet 100, MedGen C0004135, MONDO:0008840, OMIM 208900.

Submission:

Labcorp Genetics (formerly Invitae), Labcorp
Classification: Pathogenic for Ataxia-telangiectasia syndrome. Last evaluated: 2021-04-01. Review status: criteria provided, single submitter. Criteria: Invitae Variant Classification Sherloc (09022015). Collection method: clinical testing. Allele origin: germline.
Comment: For these reasons, this variant has been classified as Pathogenic. This variant has not been reported in the literature in individuals with ATM-related conditions. This variant is not present in population databases (ExAC no frequency). This sequence change creates a premature translational stop signal (p.Lys66*) in the ATM gene. It is expected to result in an absent or disrupted protein product. Loss-of-function variants in ATM are known to be pathogenic (PMID: 23807571, 25614872).

Literature cited by the submitters: PubMed 23807571; PubMed 25614872.

NM_000051.4(ATM):c.196A>T (p.Lys66Ter)

Gene: ATM (ATM serine/threonine kinase; plus strand). Cytogenetic location: 11q22.3.
Variant type: single nucleotide variant.
Coding change: c.196A>T on transcript NM_000051.4 (MANE Select); coding-DNA position 196, A replaced by T.
Protein change: p.Lys66Ter; replaces lysine 66 with a stop codon.
Molecular consequence: nonsense.
Genome position (GRCh38, 1-based): chr11:108,229,188, A>T. VCF-style: chr11-108229188-A-T. GRCh37 (hg19) VCF-style: chr11-108099915-A-T.
Other names: c.196A>T, p.Lys66Ter (NM_001351834.2, NM_001351835.2, NM_001351836.2); short protein forms K66*.
Identifiers: ClinVar variation 1453482 (VCV001453482.6), dbSNP rs1565346656, ClinGen allele CA382521188.